The following is an entry in ClinVar:

ClinVar aggregate classification (germline): Uncertain significance (1 of 4 stars; one submission).

Conditions:
Pitt-Hopkins syndrome (PTHS). Also called: ENCEPHALOPATHY, SEVERE EPILEPTIC, WITH AUTONOMIC DYSFUNCTION; MENTAL RETARDATION, SYNDROMAL, WITH INTERMITTENT HYPERVENTILATION. Identifiers: Orphanet 2896, MedGen C1970431, MONDO:0012589, OMIM 610954.

Submission:

Labcorp Genetics (formerly Invitae), Labcorp
Classification: Uncertain significance for Pitt-Hopkins syndrome. Last evaluated: 2024-07-22. Review status: criteria provided, single submitter. Criteria: Invitae Variant Classification Sherloc (09022015). Collection method: clinical testing. Allele origin: germline.
Comment: This sequence change falls in intron 17 of the TCF4 gene. It does not directly change the encoded amino acid sequence of the TCF4 protein. This variant is not present in population databases (gnomAD no frequency). This variant has not been reported in the literature in individuals affected with TCF4-related conditions. ClinVar contains an entry for this variant (Variation ID: 2054183). Algorithms developed to predict the effect of sequence changes on RNA splicing suggest that this variant may create or strengthen a splice site. In summary, the available evidence is currently insufficient to determine the role of this variant in disease. Therefore, it has been classified as a Variant of Uncertain Significance.

NM_001083962.2(TCF4):c.1650-10T>G

Gene: TCF4 (transcription factor 4; minus strand). Cytogenetic location: 18q21.2.
Variant type: single nucleotide variant.
Coding change: c.1650-10T>G on transcript NM_001083962.2 (MANE Select); 10 bases into the intron before coding-DNA position 1650, T replaced by G.
Molecular consequence: intron variant.
Genome position (GRCh38, 1-based): chr18:55,229,086, A>C on the plus strand (T>G on the coding strand, the complement: TCF4 is on the minus strand). VCF-style: chr18-55229086-A-C. GRCh37 (hg19) VCF-style: chr18-52896317-A-C.
Other names: c.1650-10T>G (NM_001369567.1, NM_001369568.1); c.1668-10T>G (NM_001243228.2); c.1629-10T>G (NM_001243230.2); c.1647-10T>G (NM_001369569.1, NM_001369570.1, NM_001330604.3); c.1638-10T>G (NM_001369572.1, NM_003199.3, NM_001369571.1); c.1563-10T>G (NM_001369585.1, NM_001348220.1, NM_001369584.1); c.1575-10T>G (NM_001369578.1, NM_001369579.1, NM_001369581.1 and 3 more transcripts); c.1566-10T>G (NM_001369583.1, NM_001348219.2, NM_001306207.1 and 1 more transcripts); and 14 more.
Identifiers: ClinVar variation 2054183 (VCV002054183.4), dbSNP rs2511501944, ClinGen allele CA2580095935.